The following is an entry in ClinVar:

ClinVar aggregate classification (germline): Likely benign (1 of 4 stars; one submission).

Allele frequency attached by ClinVar (database versions not stated): TOPMed below 0.00001; gnomAD 0.00001; gnomAD exomes 0.00001.
gnomAD v4.1: 10 of 1,434,504 alleles (0.0007%); highest among the groups gnomAD compares: Non-Finnish European, 0.00091%; no homozygotes.

Submission:

GeneDx
Classification: Likely benign. Last evaluated: 2015-12-16. Review status: criteria provided, single submitter. Criteria: GeneDx Variant Classification (06012015). Collection method: clinical testing. Allele origin: germline. Affected: yes.
Comment: This variant is considered likely benign or benign based on one or more of the following criteria: it is a conservative change, it occurs at a poorly conserved position in the protein, it is predicted to be benign by multiple in silico algorithms, and/or has population frequency not consistent with disease.

NM_000399.5(EGR2):c.-211T>C

Gene: EGR2 (early growth response 2; minus strand). Cytogenetic location: 10q21.3.
Variant type: single nucleotide variant.
Coding change: c.-211T>C on transcript NM_000399.5 (MANE Select); 211 bases upstream of the start codon, T replaced by C.
Molecular consequence: 5 prime UTR variant. On other transcripts: intron variant (3).
Genome position (GRCh38, 1-based): chr10:62,816,240, A>G on the plus strand (T>C on the coding strand, the complement: EGR2 is on the minus strand). VCF-style: chr10-62816240-A-G. GRCh37 (hg19) VCF-style: chr10-64576000-A-G.
Other names: c.-261T>C (NM_001136179.3); c.-40-171T>C (NM_001136178.2); c.-91+13T>C (NM_001321037.2); c.-41+13T>C (NM_001136177.3).
Identifiers: ClinVar variation 382121 (VCV000382121.1), dbSNP rs1057521260, ClinGen allele CA16605892.